The following is an entry in ClinVar:

ClinVar aggregate classification (germline): Likely benign. Review status: criteria provided, multiple submitters, no conflicts (2 of 4 stars). 3 submissions from 3 submitters: Likely benign (3). Last evaluated 2025-02-19.

Allele frequency attached by ClinVar (database versions not stated): gnomAD exomes 0.00017 and 0.00021; gnomAD 0.00008 and 0.00009; TOPMed 0.00011; ESP Exome Variant Server 0.00015; ExAC 0.00021.
gnomAD v4.1: 266 of 1,613,960 alleles (0.016%); highest among the groups gnomAD compares: South Asian, 0.057%; no homozygotes.

Submissions (3):

Mayo Clinic Laboratories, Mayo Clinic
Classification: Likely benign. Last evaluated: 2025-02-19. Review status: criteria provided, single submitter. Criteria: ACMG Guidelines, 2015. Collection method: clinical testing. Allele origin: germline. Observed: 1 variant allele.
Comment: BP4, BP7

Labcorp Genetics (formerly Invitae), Labcorp
Classification: Likely benign. Last evaluated: 2018-05-25. Review status: criteria provided, single submitter. Criteria: Invitae Variant Classification Sherloc (09022015). Collection method: clinical testing. Allele origin: germline.

Breakthrough Genomics
Classification: Likely benign. Review status: criteria provided, single submitter. Criteria: ACMG Guidelines, 2015. Collection method: not provided. Allele origin: germline. Inheritance: Autosomal dominant inheritance. Affected: yes.

NM_001256071.3(RNF213):c.6903G>A (p.Glu2301=)

Gene: RNF213 (ring finger protein 213; plus strand). Cytogenetic location: 17q25.3.
Variant type: single nucleotide variant.
Coding change: c.6903G>A on transcript NM_001256071.3 (MANE Select); coding-DNA position 6903, G replaced by A.
Protein change: p.Glu2301=; no amino-acid change (glutamic acid 2301 retained).
Molecular consequence: synonymous variant.
Genome position (GRCh38, 1-based): chr17:80,345,238, G>A. VCF-style: chr17-80345238-G-A. GRCh37 (hg19) VCF-style: chr17-78319038-G-A.
Other names: p.Glu2301=.
Identifiers: ClinVar variation 721557 (VCV000721557.5), dbSNP rs147469449, ClinGen allele CA8820637.